The following is an entry in ClinVar:

NM_000092.5(COL4A4):c.489+6A>G

Gene: COL4A4 (collagen type IV alpha 4 chain; minus strand). Cytogenetic location: 2q36.3.
Variant type: single nucleotide variant.
Coding change: c.489+6A>G on transcript NM_000092.5 (MANE Select); 6 bases into the intron after coding-DNA position 489, A replaced by G.
Molecular consequence: intron variant.
Genome position (GRCh38, 1-based): chr2:227,118,639, T>C on the plus strand (A>G on the coding strand, the complement: COL4A4 is on the minus strand). VCF-style: chr2-227118639-T-C. GRCh37 (hg19) VCF-style: chr2-227983355-T-C.
Identifiers: ClinVar variation 1705302 (VCV001705302.3), dbSNP rs1576643471, ClinGen allele CA1332775452.
Genomic context (GRCh38, chr2:227,118,639, plus strand): 5'-AAGCCTGTTCCACCACAGGGCCTGTTCACTTAAGATTCCTGTTAAGATGAACTGTGGGTA[T>C]CTTACTAGGGGGCCTCCTGGGCCAAGAGCTCCTCTTCCTCCTGGAAACCCTGGGTCACCT-3'

ClinVar aggregate classification (germline): Uncertain significance (1 of 4 stars; one submission).

Conditions:
Autosomal recessive Alport syndrome (ATS2). Also called: COL4A4 Alport Syndrome and Thin Basement Membrane Nephropathy; ALPORT SYNDROME 2, AUTOSOMAL RECESSIVE; Alport syndrome type 2; COL4A3-Related Nephropathy. Identifiers: Orphanet 63, Orphanet 88919, MedGen C4746745, MONDO:0008762, OMIM 203780.

Submission:

3billion
Classification: Uncertain significance for Autosomal recessive Alport syndrome. Last evaluated: 2025-05-13. Review status: criteria provided, single submitter. Criteria: ACMG Guidelines, 2015. Collection method: clinical testing. Allele origin: germline. Affected: yes.
Comment: The variant is not observed in the gnomAD v4.1.0 dataset. Predicted Consequence/Location: Intron variant In silico tools predict the variant to alter splicing and produce an abnormal transcript [SpliceAI: 0.98 (>=0.2, moderate evidence for spliceogenicity)]. The variant has been reported as of uncertain significance (ClinVar ID: VCV001705302; 3billion dataset). Therefore, this variant is classified as VUS according to the recommendation of ACMG/AMP guideline.